The following is an entry in ClinVar:

NM_020066.5(FMN2):c.1618C>T (p.Arg540Ter)

Gene: FMN2 (formin 2; plus strand). Cytogenetic location: 1q43.
Variant type: single nucleotide variant.
Coding change: c.1618C>T on transcript NM_020066.5 (MANE Select); coding-DNA position 1618, C replaced by T.
Protein change: p.Arg540Ter; replaces arginine 540 with a stop codon.
Molecular consequence: nonsense.
Genome position (GRCh38, 1-based): chr1:240,123,181, C>T. VCF-style: chr1-240123181-C-T. GRCh37 (hg19) VCF-style: chr1-240286481-C-T.
Other names: c.1618C>T, p.Arg540Ter (NM_001305424.2, NM_001348094.2); short protein forms R540*.
Identifiers: ClinVar variation 1028639 (VCV001028639.3), dbSNP rs1247510585, ClinGen allele CA345432123.

ClinVar aggregate classification (germline): Pathogenic (1 of 4 stars; one submission).

Conditions:
Intellectual developmental disorder, autosomal recessive 47. Also called: Intellectual disability, autosomal recessive 47. Identifiers: Orphanet 88616, MedGen C4015444, MONDO:0014524, OMIM 616193.

Allele frequency attached by ClinVar (database versions not stated): gnomAD exomes below 0.00001; TOPMed below 0.00001.
gnomAD v4.1: 1 of 1,613,968 alleles (0.000062%); highest among the groups gnomAD compares: Non-Finnish European, 0.000085%; no homozygotes.

Submission:

Baylor Genetics
Classification: Pathogenic for Intellectual developmental disorder, autosomal recessive 47. Last evaluated: 2020-01-20. Review status: criteria provided, single submitter. Criteria: ACMG Guidelines, 2015. Collection method: clinical testing. Allele origin: unknown. Affected: yes.
Comment: This variant was determined to be pathogenic according to ACMG Guidelines, 2015 [PMID:25741868].